The following is an entry in ClinVar:

ClinVar aggregate classification (germline): Conflicting classifications of pathogenicity. Review status: criteria provided, conflicting classifications (1 of 4 stars). 3 submissions from 3 submitters: Uncertain significance (1); Likely benign (2). Last evaluated 2023-06-06.

Conditions:
Cardiomyopathy (CMYO). Also called: Cardiomyopathies. Identifiers: Orphanet 167848, MedGen C0878544, MONDO:0004994, HP:0001638. Inheritance: Various modes of inheritance.

Allele frequency attached by ClinVar (database versions not stated): ExAC 0.00002; gnomAD exomes 0.00002; TOPMed 0.00002; gnomAD 0.00003.
gnomAD v4.1: 35 of 1,613,994 alleles (0.0022%); highest among the groups gnomAD compares: Non-Finnish European, 0.0029%; no homozygotes.

Submissions (3):

CHEO Genetics Diagnostic Laboratory, Children's Hospital of Eastern Ontario
Classification: Likely benign for Cardiomyopathy. Last evaluated: 2023-06-06. Review status: criteria provided, single submitter. Criteria: ACMG Guidelines, 2015. Collection method: clinical testing. Allele origin: germline.

CeGaT Center for Human Genetics Tuebingen
Classification: Likely benign. Last evaluated: 2022-05-01. Review status: criteria provided, single submitter. Criteria: CeGaT Center For Human Genetics Tuebingen Variant Classification Criteria Version 2. Collection method: clinical testing. Allele origin: germline. Affected: yes. Observed: 1 variant allele.
Comment: TTN: BP4

Revvity Omics, Revvity
Classification: Uncertain significance. Last evaluated: 2022-03-09. Review status: criteria provided, single submitter. Criteria: ACMG Guidelines, 2015. Collection method: clinical testing. Allele origin: germline.

NM_001267550.2(TTN):c.8269G>A (p.Val2757Ile)

Gene: TTN (titin; minus strand). Cytogenetic location: 2q31.2.
Variant type: single nucleotide variant.
Coding change: c.8269G>A on transcript NM_001267550.2 (MANE Select); coding-DNA position 8269, G replaced by A.
Protein change: p.Val2757Ile; replaces valine 2757 with isoleucine.
Molecular consequence: missense variant.
Genome position (GRCh38, 1-based): chr2:178,770,523, C>T on the plus strand (G>A on the coding strand, the complement: TTN is on the minus strand). VCF-style: chr2-178770523-C-T. GRCh37 (hg19) VCF-style: chr2-179635250-C-T.
Other names: c.8269G>A, p.Val2757Ile (NM_001256850.1, NM_133378.4, NM_133379.5); c.8131G>A, p.Val2711Ile (NM_003319.4, NM_133432.3, NM_133437.4); short protein forms V2711I, V2757I.
Identifiers: ClinVar variation 2438379 (VCV002438379.27), dbSNP rs769822096, ClinGen allele CA2004622.